The following is an entry in ClinVar:

ClinVar aggregate classification (germline): Uncertain significance (1 of 4 stars; one submission).

gnomAD v4.1: 5 of 1,614,152 alleles (0.00031%); highest among the groups gnomAD compares: Admixed American, 0.0017%; no homozygotes.

Submission:

Labcorp Genetics (formerly Invitae), Labcorp
Classification: Uncertain significance. Last evaluated: 2023-05-15. Review status: criteria provided, single submitter. Criteria: Invitae Variant Classification Sherloc (09022015). Collection method: clinical testing. Allele origin: germline.
Comment: In summary, the available evidence is currently insufficient to determine the role of this variant in disease. Therefore, it has been classified as a Variant of Uncertain Significance. Advanced modeling of protein sequence and biophysical properties (such as structural, functional, and spatial information, amino acid conservation, physicochemical variation, residue mobility, and thermodynamic stability) performed at Invitae indicates that this missense variant is not expected to disrupt POLR1A protein function. ClinVar contains an entry for this variant (Variation ID: 1386858). This variant has not been reported in the literature in individuals affected with POLR1A-related conditions. This variant is present in population databases (rs763017681, gnomAD 0.003%). This sequence change replaces alanine with serine at codon 47 of the POLR1A protein (p.Ala47Ser). The alanine residue is moderately conserved and there is a moderate physicochemical difference between alanine and serine.

NM_015425.6(POLR1A):c.139G>T (p.Ala47Ser)

Gene: POLR1A (RNA polymerase I subunit A; minus strand). Cytogenetic location: 2p11.2.
Variant type: single nucleotide variant.
Coding change: c.139G>T on transcript NM_015425.6 (MANE Select); coding-DNA position 139, G replaced by T.
Protein change: p.Ala47Ser; replaces alanine 47 with serine.
Molecular consequence: missense variant.
Genome position (GRCh38, 1-based): chr2:86,100,111, C>A on the plus strand (G>T on the coding strand, the complement: POLR1A is on the minus strand). VCF-style: chr2-86100111-C-A. GRCh37 (hg19) VCF-style: chr2-86327234-C-A.
Other names: short protein forms A47S.
Identifiers: ClinVar variation 1386858 (VCV001386858.6), dbSNP rs763017681, ClinGen allele CA1746726.
Genomic context (GRCh38, chr2:86,100,111, plus strand): 5'-AGGTGGAGCACACCTCTTTGGAATCTGCAGGGCCCAAAGCTAAATCGTACAGGCCGTTTG[C>A]CGATGGGTTCCCCAGGCTGTCCAGGTATCGAGGGTTCGTAATGGATTTAACACTTAATTT-3'
Protein context (NP_056240.2, residues 37-57): RYLDSLGNPS[Ala47Ser]NGLYDLALGP